The following is an entry in ClinVar:

ClinVar aggregate classification (germline): Benign/Likely benign. Review status: criteria provided, multiple submitters, no conflicts (2 of 4 stars). 10 submissions from 10 submitters: Benign (2); Likely benign (5). 3 of the submissions do not count toward it. Last evaluated 2026-03-01.

Conditions:
Nemaline myopathy 10 (NEM10). Identifiers: MedGen C4015360, MONDO:0014513, OMIM 616165.
LMOD3-related disorder. Also called: LMOD3-related condition.

Allele frequency attached by ClinVar (database versions not stated): 1000 Genomes Project 30x 0.00031; 1000 Genomes Project 0.00040; TOPMed 0.00227.
gnomAD v4.1: 5,081 of 1,558,826 alleles (0.33%); highest among the groups gnomAD compares: Non-Finnish European, 0.4%; 16 homozygotes.

Submissions (10):

CeGaT Center for Human Genetics Tuebingen
Classification: Likely benign. Last evaluated: 2026-03-01. Review status: criteria provided, single submitter. Criteria: CeGaT Center For Human Genetics Tuebingen Variant Classification Criteria Version 2. Collection method: clinical testing. Allele origin: germline. Affected: yes. Observed: 12 variant alleles.
Comment: LMOD3: BS2

Labcorp Genetics (formerly Invitae), Labcorp
Classification: Benign for Nemaline myopathy 10. Last evaluated: 2026-01-21. Review status: criteria provided, single submitter. Criteria: Invitae Variant Classification Sherloc (09022015). Collection method: clinical testing. Allele origin: germline.

Mayo Clinic Laboratories, Mayo Clinic
Classification: Benign. Last evaluated: 2025-05-01. Review status: criteria provided, single submitter. Criteria: ACMG Guidelines, 2015. Collection method: clinical testing. Allele origin: germline. Observed: 2 variant alleles.
Comment: BS1, BS2, BP4_moderate

Blueprint Genetics
Classification: Likely benign. Last evaluated: 2024-11-15. Review status: criteria provided, single submitter. Criteria: ACMG Guidelines, 2015. Collection method: clinical testing. Allele origin: germline.

Genetic Services Laboratory, University of Chicago
Classification: Likely benign. Last evaluated: 2020-05-06. Review status: criteria provided, single submitter. Criteria: ACMG Guidelines, 2015. Collection method: clinical testing. Allele origin: germline. Affected: no.

GeneDx
Classification: Likely benign. Last evaluated: 2020-04-06. Review status: criteria provided, single submitter. Criteria: GeneDx Variant Classification Process June 2021. Collection method: clinical testing. Allele origin: germline. Affected: yes.
Comment: This variant is associated with the following publications: (PMID: 29923248)

Breakthrough Genomics
Classification: Likely benign. Review status: criteria provided, single submitter. Criteria: ACMG Guidelines, 2015. Collection method: not provided. Allele origin: germline. Inheritance: Autosomal recessive inheritance. Affected: yes.

PreventionGenetics, part of Exact Sciences
Classification: Likely benign for LMOD3-related condition. Last evaluated: 2022-07-19. Review status: no assertion criteria provided. Collection method: clinical testing. Allele origin: germline. Not counted in ClinVar's aggregate classification.
Comment: This variant is classified as likely benign based on ACMG/AMP sequence variant interpretation guidelines (Richards et al. 2015 PMID: 25741868, with internal and published modifications).

Genome Diagnostics Laboratory, University Medical Center Utrecht
Classification: Likely benign. Review status: no assertion criteria provided. Collection method: clinical testing. Allele origin: germline. Affected: yes. Study: VKGL Data-share Consensus. Not counted in ClinVar's aggregate classification.

Laboratory of Diagnostic Genome Analysis, Leiden University Medical Center (LUMC)
Classification: Likely benign. Review status: no assertion criteria provided. Collection method: clinical testing. Allele origin: germline. Affected: yes. Study: VKGL Data-share Consensus. Not counted in ClinVar's aggregate classification.

Literature cited by the submitters: PubMed 29923248 (cited by Mayo Clinic Laboratories, Mayo Clinic).

NM_198271.5(LMOD3):c.426A>C (p.Glu142Asp)

Gene: LMOD3 (leiomodin 3; minus strand). Cytogenetic location: 3p14.1.
Variant type: single nucleotide variant.
Coding change: c.426A>C on transcript NM_198271.5 (MANE Select); coding-DNA position 426, A replaced by C.
Protein change: p.Glu142Asp; replaces glutamic acid 142 with aspartic acid.
Molecular consequence: missense variant.
Genome position (GRCh38, 1-based): chr3:69,119,929, T>G on the plus strand (A>C on the coding strand, the complement: LMOD3 is on the minus strand). VCF-style: chr3-69119929-T-G. GRCh37 (hg19) VCF-style: chr3-69169080-T-G.
Other names: p.Glu142Asp; c.426A>C, p.Glu142Asp (NM_001304418.3); short protein forms E142D.
Identifiers: ClinVar variation 475322 (VCV000475322.57), dbSNP rs111848977, ClinGen allele CA2488990.